The following is an entry in ClinVar:

NM_001903.5(CTNNA1):c.1360G>A (p.Ala454Thr)

Gene: CTNNA1 (catenin alpha 1; plus strand). Cytogenetic location: 5q31.2.
Variant type: single nucleotide variant.
Coding change: c.1360G>A on transcript NM_001903.5 (MANE Select); coding-DNA position 1360, G replaced by A.
Protein change: p.Ala454Thr; replaces alanine 454 with threonine.
Molecular consequence: missense variant. On other transcripts: 5 prime UTR variant (4), intron variant (3).
Genome position (GRCh38, 1-based): chr5:138,904,412, G>A. VCF-style: chr5-138904412-G-A. GRCh37 (hg19) VCF-style: chr5-138240101-G-A.
Other names: c.1360G>A, p.Ala454Thr (NM_001290307.3, NM_001323982.2, NM_001323983.1 and 2 more transcripts); c.1051G>A, p.Ala351Thr (NM_001290309.3); c.991G>A, p.Ala331Thr (NM_001290310.3); c.250G>A, p.Ala84Thr (NM_001290312.1, NM_001323987.1, NM_001323988.1 and 17 more transcripts); c.-148G>A (NM_001324006.1, NM_001324007.1, NM_001324008.1 and 1 more transcripts); c.7G>A, p.Ala3Thr (NM_001324012.1, NM_001324013.1); c.1297-13330G>A (NM_001323986.2); c.187-13330G>A (NM_001324011.1); and 1 more; short protein forms A351T, A3T, A454T, A331T, A84T.
Identifiers: ClinVar variation 3498226 (VCV003498226.1).

ClinVar aggregate classification (germline): Uncertain significance (1 of 4 stars; one submission).

Conditions:
Hereditary cancer-predisposing syndrome. Also called: Tumor predisposition; Neoplastic Syndromes, Hereditary; Hereditary Cancer Syndrome; Hereditary neoplastic syndrome. Identifiers: Orphanet 140162, MedGen C0027672, MeSH D009386, MONDO:0015356.

Submission:

Ambry Genetics
Classification: Uncertain significance for Hereditary cancer-predisposing syndrome. Last evaluated: 2024-08-30. Review status: criteria provided, single submitter. Criteria: Ambry Variant Classification Scheme 2023. Collection method: clinical testing. Allele origin: germline.
Comment: The p.A454T variant (also known as c.1360G>A), located in coding exon 9 of the CTNNA1 gene, results from a G to A substitution at nucleotide position 1360. The alanine at codon 454 is replaced by threonine, an amino acid with similar properties. This amino acid position is highly conserved in available vertebrate species. In addition, the in silico prediction for this alteration is inconclusive. The evidence for this gene-disease relationship is limited; therefore, the clinical significance of this alteration is unclear.